The following is an entry in ClinVar:

NM_002890.3(RASA1):c.2645A>G (p.Gln882Arg)

Genes: CCNH (cyclin H; minus strand), RASA1 (RAS p21 protein activator 1; plus strand). Cytogenetic location: 5q14.3.
Variant type: single nucleotide variant.
Coding change: c.2645A>G on transcript NM_002890.3 (MANE Select); coding-DNA position 2645, A replaced by G.
Protein change: p.Gln882Arg; replaces glutamine 882 with arginine.
Molecular consequence: missense variant. On other transcripts: intron variant (1).
Genome position (GRCh38, 1-based): chr5:87,380,550, A>G. VCF-style: chr5-87380550-A-G. GRCh37 (hg19) VCF-style: chr5-86676367-A-G.
Other names: c.2114A>G, p.Gln705Arg (NM_022650.3); c.933+14494T>C (NM_001364075.2); short protein forms Q705R, Q882R.
Identifiers: ClinVar variation 3616092 (VCV003616092.2).

ClinVar aggregate classification (germline): Uncertain significance (1 of 4 stars; one submission).

Conditions:
Capillary malformation-arteriovenous malformation syndrome. Also called: Capillary malformation-arteriovenous malformation. Identifiers: Orphanet 137667, MedGen C1842180, MONDO:0012016.

gnomAD v4.1: 1 of 1,613,536 alleles (0.000062%); highest among the groups gnomAD compares: Non-Finnish European, 0.000085%; no homozygotes.

Submission:

Labcorp Genetics (formerly Invitae), Labcorp
Classification: Uncertain significance for Capillary malformation-arteriovenous malformation syndrome. Last evaluated: 2025-10-08. Review status: criteria provided, single submitter. Criteria: Invitae Variant Classification Sherloc (09022015). Collection method: clinical testing. Allele origin: germline.
Comment: This sequence change replaces glutamine, which is neutral and polar, with arginine, which is basic and polar, at codon 882 of the RASA1 protein (p.Gln882Arg). This variant is not present in population databases (gnomAD no frequency). This variant has not been reported in the literature in individuals affected with RASA1-related conditions. ClinVar contains an entry for this variant (Variation ID: 3616092). An algorithm developed to predict the effect of missense changes on protein structure and function (PolyPhen-2) suggests that this variant is likely to be tolerated. Algorithms developed to predict the effect of sequence changes on RNA splicing suggest that this variant may create or strengthen a splice site. In summary, the available evidence is currently insufficient to determine the role of this variant in disease. Therefore, it has been classified as a Variant of Uncertain Significance.